The following is an entry in ClinVar:

ClinVar aggregate classification (germline): Pathogenic/Likely pathogenic. Review status: criteria provided, multiple submitters, no conflicts (2 of 4 stars). 2 submissions from 2 submitters: Pathogenic (1); Likely pathogenic (1). Last evaluated 2024-09-17.

Conditions:
MICROCEPHALY, SHORT STATURE, AND POLYMICROGYRIA WITH SEIZURES. Identifiers: MedGen C4225499.

Submissions (2):

Labcorp Genetics (formerly Invitae), Labcorp
Classification: Likely pathogenic. Last evaluated: 2024-09-17. Review status: criteria provided, single submitter. Criteria: Invitae Variant Classification Sherloc (09022015). Collection method: clinical testing. Allele origin: germline.
Comment: This sequence change affects a donor splice site in intron 38 of the RTTN gene. It is expected to disrupt RNA splicing. Variants that disrupt the donor or acceptor splice site typically lead to a loss of protein function (PMID: 16199547), and loss-of-function variants in RTTN are known to be pathogenic (PMID: 26608784, 26846091). This variant is not present in population databases (gnomAD no frequency). This variant has not been reported in the literature in individuals affected with RTTN-related conditions. ClinVar contains an entry for this variant (Variation ID: 436607). Algorithms developed to predict the effect of sequence changes on RNA splicing suggest that this variant may disrupt the consensus splice site. In summary, the currently available evidence indicates that the variant is pathogenic, but additional data are needed to prove that conclusively. Therefore, this variant has been classified as Likely Pathogenic.

Genetic Services Laboratory, University of Chicago
Classification: Pathogenic for Microcephaly, short stature, and polymicrogyria with seizures. Last evaluated: 2016-05-17. Review status: criteria provided, single submitter. Criteria: ACMG Guidelines, 2015. Collection method: clinical testing. Allele origin: germline. Affected: yes.

Literature cited by the submitters: PubMed 16199547 (cited by Labcorp Genetics (formerly Invitae), Labcorp); PubMed 26608784 (cited by Labcorp Genetics (formerly Invitae), Labcorp); PubMed 26846091 (cited by Labcorp Genetics (formerly Invitae), Labcorp).

NM_173630.4(RTTN):c.5185+1G>A

Gene: RTTN (rotatin; minus strand). Cytogenetic location: 18q22.2.
Variant type: single nucleotide variant.
Coding change: c.5185+1G>A on transcript NM_173630.4 (MANE Select); the canonical splice donor site of the intron after coding-DNA position 5185, G replaced by A.
Molecular consequence: splice donor variant.
Genome position (GRCh38, 1-based): chr18:70,054,130, C>T on the plus strand (G>A on the coding strand, the complement: RTTN is on the minus strand). VCF-style: chr18-70054130-C-T. GRCh37 (hg19) VCF-style: chr18-67721366-C-T.
Other names: c.2449+1G>A (NM_001318520.2).
Identifiers: ClinVar variation 436607 (VCV000436607.8), dbSNP rs1555707336, ClinGen allele CA402692411.